The following is an entry in ClinVar:

ClinVar aggregate classification (germline): Benign. Review status: criteria provided, multiple submitters, no conflicts (2 of 4 stars). 7 submissions from 6 submitters: Benign (6). 1 of the submissions does not count toward it. Last evaluated 2026-02-03.

Conditions:
Leukoencephalopathy, progressive, with ovarian failure (LKENP). Identifiers: Orphanet 99853, MedGen C4014588, MONDO:0014387, OMIM 615889.
Combined oxidative phosphorylation defect type 8. Also called: CARDIOMYOPATHY, HYPERTROPHIC MITOCHONDRIAL, FATAL INFANTILE. Identifiers: Orphanet 319504, MedGen C4518839, MONDO:0013570, OMIM 614096.

Allele frequency attached by ClinVar (database versions not stated): 1000 Genomes Project 0.45327; 1000 Genomes Project 30x 0.45721; ESP Exome Variant Server 0.49739; gnomAD 0.49922 and 0.50019; TOPMed 0.49943; ExAC 0.53332; gnomAD exomes 0.53458.
gnomAD v4.1: 873,262 of 1,612,314 alleles (54%); highest among the groups gnomAD compares: Admixed American, 62%; 239,600 homozygotes.

Submissions (7):

Labcorp Genetics (formerly Invitae), Labcorp
Classification: Benign. Last evaluated: 2026-02-03. Review status: criteria provided, single submitter. Criteria: Invitae Variant Classification Sherloc (09022015). Collection method: clinical testing. Allele origin: germline.

Molecular Diagnostic Laboratory for Inherited Cardiovascular Disease, Montreal Heart Institute
Classification: Benign. Last evaluated: 2025-04-09. Review status: criteria provided, single submitter. Criteria: ACMG Guidelines, 2015. Collection method: clinical testing. Allele origin: germline. Affected: no.

Genome-Nilou Lab
Classification: Benign for Combined oxidative phosphorylation defect type 8. Last evaluated: 2021-07-14. Review status: criteria provided, single submitter. Criteria: ACMG Guidelines, 2015. Collection method: clinical testing. Allele origin: germline. Affected: no.

Genome-Nilou Lab
Classification: Benign for Leukoencephalopathy, progressive, with ovarian failure. Last evaluated: 2021-07-14. Review status: criteria provided, single submitter. Criteria: ACMG Guidelines, 2015. Collection method: clinical testing. Allele origin: germline. Affected: no.

Illumina Laboratory Services, Illumina
Classification: Benign for Combined oxidative phosphorylation defect type 8. Last evaluated: 2018-01-12. Review status: criteria provided, single submitter. Criteria: ICSL Variant Classification Criteria 13 December 2019. Collection method: clinical testing. Allele origin: germline.
Comment: This variant was observed in the ICSL laboratory as part of a predisposition screen in an ostensibly healthy population. It had not been previously curated by ICSL or reported in the Human Gene Mutation Database (HGMD: prior to June 1st, 2018), and was therefore a candidate for classification through an automated scoring system. Utilizing variant allele frequency, disease prevalence and penetrance estimates, and inheritance mode, an automated score was calculated to assess if this variant is too frequent to cause the disease. Based on the score and internal cut-off values, a variant classified as benign is not then subjected to further curation. The score for this variant resulted in a classification of benign for this disease.

GeneDx
Classification: Benign. Last evaluated: 2015-03-03. Review status: criteria provided, single submitter. Criteria: GeneDx Variant Classification Process June 2021. Collection method: clinical testing. Allele origin: germline. Affected: yes.

Mayo Clinic Laboratories, Mayo Clinic
Classification: Benign. Last evaluated: 2016-02-11. Review status: no assertion criteria provided. Collection method: clinical testing. Allele origin: unknown. Not counted in ClinVar's aggregate classification.

NM_020745.4(AARS2):c.243+6G>A

Gene: AARS2 (alanyl-tRNA synthetase 2, mitochondrial; minus strand). Cytogenetic location: 6p21.1.
Variant type: single nucleotide variant.
Coding change: c.243+6G>A on transcript NM_020745.4 (MANE Select); 6 bases into the intron after coding-DNA position 243, G replaced by A.
Molecular consequence: intron variant.
Genome position (GRCh38, 1-based): chr6:44,313,075, C>T on the plus strand (G>A on the coding strand, the complement: AARS2 is on the minus strand). VCF-style: chr6-44313075-C-T. GRCh37 (hg19) VCF-style: chr6-44280812-C-T.
Identifiers: ClinVar variation 357082 (VCV000357082.23), dbSNP rs167772, ClinGen allele CA3834717.